The following is an entry in ClinVar:

NM_006267.5(RANBP2):c.4726A>T (p.Thr1576Ser)

Gene: RANBP2 (RAN binding protein 2; plus strand). Cytogenetic location: 2q13.
Variant type: single nucleotide variant.
Coding change: c.4726A>T on transcript NM_006267.5 (MANE Select); coding-DNA position 4726, A replaced by T.
Protein change: p.Thr1576Ser; replaces threonine 1576 with serine.
Molecular consequence: missense variant.
Genome position (GRCh38, 1-based): chr2:108,765,265, A>T. VCF-style: chr2-108765265-A-T. GRCh37 (hg19) VCF-style: chr2-109381721-A-T.
Other names: short protein forms T1576S.
Identifiers: ClinVar variation 469462 (VCV000469462.14), dbSNP rs74821091, ClinGen allele CA1823165.

ClinVar aggregate classification (germline): Benign/Likely benign. Review status: criteria provided, multiple submitters, no conflicts (2 of 4 stars). 3 submissions from 3 submitters: Benign (1); Likely benign (2). Last evaluated 2026-01-16.

Conditions:
Familial acute necrotizing encephalopathy (IIAE3). Also called: Susceptibility to Acute Necrotizing Encephalopathy 1; ENCEPHALOPATHY, ACUTE, INFECTION-INDUCED, SUSCEPTIBILITY TO, 3. Identifiers: Orphanet 88619, MedGen C2675556, MONDO:0011953, OMIM 608033.

Allele frequency attached by ClinVar (database versions not stated): gnomAD exomes 0.00110; ExAC 0.00146; gnomAD 0.00490; TOPMed 0.00502; ESP Exome Variant Server 0.00569; 1000 Genomes Project 0.00579; 1000 Genomes Project 30x 0.00656.
gnomAD v4.1: 1,380 of 1,614,074 alleles (0.085%); highest among the groups gnomAD compares: African/African-American, 1.6%; 9 homozygotes.

Submissions (3):

Labcorp Genetics (formerly Invitae), Labcorp
Classification: Benign for Familial acute necrotizing encephalopathy. Last evaluated: 2026-01-16. Review status: criteria provided, single submitter. Criteria: Invitae Variant Classification Sherloc (09022015). Collection method: clinical testing. Allele origin: germline.

Blueprint Genetics
Classification: Likely benign. Last evaluated: 2024-11-25. Review status: criteria provided, single submitter. Criteria: ACMG Guidelines, 2015. Collection method: clinical testing. Allele origin: germline.

GeneDx
Classification: Likely benign. Last evaluated: 2017-03-27. Review status: criteria provided, single submitter. Criteria: GeneDx Variant Classification (06012015). Collection method: clinical testing. Allele origin: germline. Affected: yes.
Comment: This variant is considered likely benign or benign based on one or more of the following criteria: it is a conservative change, it occurs at a poorly conserved position in the protein, it is predicted to be benign by multiple in silico algorithms, and/or has population frequency not consistent with disease.